The following is an entry in ClinVar:

ClinVar aggregate classification (germline): Likely benign (1 of 4 stars; one submission).

Submission:

CeGaT Center for Human Genetics Tuebingen
Classification: Likely benign. Last evaluated: 2022-05-01. Review status: criteria provided, single submitter. Criteria: CeGaT Center For Human Genetics Tuebingen Variant Classification Criteria Version 2. Collection method: clinical testing. Allele origin: germline. Affected: yes. Observed: 1 variant allele.
Comment: LMAN2L: PM2:Supporting, BP4, BP7

NM_030805.4(LMAN2L):c.180C>G (p.Pro60=)

Gene: LMAN2L (lectin, mannose binding 2 like; minus strand). Cytogenetic location: 2q11.2.
Variant type: single nucleotide variant.
Coding change: c.180C>G on transcript NM_030805.4 (MANE Select); coding-DNA position 180, C replaced by G.
Protein change: p.Pro60=; no amino-acid change (proline 60 retained).
Molecular consequence: synonymous variant. On other transcripts: 5 prime UTR variant (8).
Genome position (GRCh38, 1-based): chr2:96,739,861, G>C on the plus strand (C>G on the coding strand, the complement: LMAN2L is on the minus strand). VCF-style: chr2-96739861-G-C. GRCh37 (hg19) VCF-style: chr2-97405598-G-C.
Other names: c.-316C>G (NM_001322352.2); c.-187C>G (NM_001322354.2); c.-254C>G (NM_001322355.2); c.-173C>G (NM_001322356.2, NM_001322346.2); c.180C>G, p.Pro60= (NM_001142292.2); c.-116C>G (NM_001322347.2, NM_001322350.2); c.-54C>G (NM_001322351.2).
Identifiers: ClinVar variation 2651151 (VCV002651151.24), dbSNP rs2153338745, ClinGen allele CA427512337.